The following is an entry in ClinVar:

NM_001794.5(CDH4):c.1738G>A (p.Val580Ile)

Gene: CDH4 (cadherin 4; plus strand). Cytogenetic location: 20q13.33.
Variant type: single nucleotide variant.
Coding change: c.1738G>A on transcript NM_001794.5 (MANE Select); coding-DNA position 1738, G replaced by A.
Protein change: p.Val580Ile; replaces valine 580 with isoleucine.
Molecular consequence: missense variant.
Genome position (GRCh38, 1-based): chr20:61,924,443, G>A. VCF-style: chr20-61924443-G-A. GRCh37 (hg19) VCF-style: chr20-60499501-G-A.
Other names: c.1627G>A, p.Val543Ile (NM_001252338.2); c.1516G>A, p.Val506Ile (NM_001252339.3); c.1738G>A (NM_001794.2); short protein forms V506I, V543I, V580I.
Identifiers: ClinVar variation 2636013 (VCV002636013.3), dbSNP rs747641695, ClinGen allele CA9934839.

ClinVar aggregate classification (germline): Uncertain significance. Review status: criteria provided, multiple submitters, no conflicts (2 of 4 stars). 3 submissions from 3 submitters: Uncertain significance (3). Last evaluated 2025-08-28.

Conditions:
CDH4-related disorder. Also called: CDH4-related condition.

Allele frequency attached by ClinVar (database versions not stated): gnomAD 0.00001; gnomAD exomes 0.00002; TOPMed 0.00002; ExAC 0.00008.

Submissions (3):

Ambry Genetics
Classification: Uncertain significance. Last evaluated: 2025-08-28. Review status: criteria provided, single submitter. Criteria: Ambry Variant Classification Scheme 2023. Collection method: clinical testing. Allele origin: germline.

PreventionGenetics, part of Exact Sciences
Classification: Uncertain significance for CDH4-related condition. Last evaluated: 2023-04-15. Review status: criteria provided, single submitter. Criteria: ACMG Guidelines, 2015. Collection method: clinical testing. Allele origin: germline.
Comment: The CDH4 c.1738G>A variant is predicted to result in the amino acid substitution p.Val580Ile. To our knowledge, this variant has not been reported in the literature. This variant is reported in 0.026% of alleles in individuals of Latino descent in gnomAD. At this time, the clinical significance of this variant is uncertain due to the absence of conclusive functional and genetic evidence.

Breakthrough Genomics
Classification: Uncertain significance. Review status: criteria provided, single submitter. Criteria: ACMG Guidelines, 2015. Collection method: not provided. Allele origin: germline. Inheritance: Autosomal dominant inheritance. Affected: yes.